The following is an entry in ClinVar:

ClinVar aggregate classification (germline): Benign/Likely benign. Review status: criteria provided, multiple submitters, no conflicts (2 of 4 stars). 3 submissions from 3 submitters: Benign (1); Likely benign (2). Last evaluated 2026-07-01.

Allele frequency attached by ClinVar (database versions not stated): ESP Exome Variant Server 0.00107; 1000 Genomes Project 0.00200; 1000 Genomes Project 30x 0.00219; TOPMed 0.00307.
gnomAD v4.1: 704 of 1,530,282 alleles (0.046%); highest among the groups gnomAD compares: African/African-American, 0.89%; no homozygotes.

Submissions (3):

CeGaT Center for Human Genetics Tuebingen
Classification: Likely benign. Last evaluated: 2026-07-01. Review status: criteria provided, single submitter. Criteria: CeGaT Center For Human Genetics Tuebingen Variant Classification Criteria Version 2. Collection method: clinical testing. Allele origin: germline. Affected: yes. Observed: 1 variant allele.
Comment: NKX3-2: BP4, BP7

Labcorp Genetics (formerly Invitae), Labcorp
Classification: Benign. Last evaluated: 2026-01-05. Review status: criteria provided, single submitter. Criteria: Invitae Variant Classification Sherloc (09022015). Collection method: clinical testing. Allele origin: germline.

Blueprint Genetics
Classification: Likely benign. Last evaluated: 2024-07-15. Review status: criteria provided, single submitter. Criteria: ACMG Guidelines, 2015. Collection method: clinical testing. Allele origin: germline.

NM_001189.4(NKX3-2):c.108C>T (p.Pro36=)

Gene: NKX3-2 (NK3 homeobox 2; minus strand). Cytogenetic location: 4p15.33.
Variant type: single nucleotide variant.
Coding change: c.108C>T on transcript NM_001189.4 (MANE Select); coding-DNA position 108, C replaced by T.
Protein change: p.Pro36=; no amino-acid change (proline 36 retained).
Molecular consequence: synonymous variant.
Genome position (GRCh38, 1-based): chr4:13,544,307, G>A on the plus strand (C>T on the coding strand, the complement: NKX3-2 is on the minus strand). VCF-style: chr4-13544307-G-A. GRCh37 (hg19) VCF-style: chr4-13545931-G-A.
Identifiers: ClinVar variation 720571 (VCV000720571.10), dbSNP rs200291862, ClinGen allele CA2860488.